The following is an entry in ClinVar:

NM_000551.4(VHL):c.466T>C (p.Tyr156His)

Genes: VHL (von Hippel-Lindau tumor suppressor; plus strand), LOC107303340 (3p25 von Hippel-Lindau tumor suppressor, E3 ubiquitin protein ligase Alu-mediated recombination region; plus strand). Cytogenetic location: 3p25.3.
Variant type: single nucleotide variant.
Coding change: c.466T>C on transcript NM_000551.4 (MANE Select); coding-DNA position 466, T replaced by C.
Protein change: p.Tyr156His; replaces tyrosine 156 with histidine.
Molecular consequence: missense variant. On other transcripts: 3 prime UTR variant (1), non-coding transcript variant (1).
Genome position (GRCh38, 1-based): chr3:10,149,789, T>C. VCF-style: chr3-10149789-T-C. GRCh37 (hg19) VCF-style: chr3-10191473-T-C.
Other names: c.*20T>C (NM_001354723.2); c.343T>C, p.Tyr115His (NM_198156.3); short protein forms Y115H, Y156H.
Identifiers: ClinVar variation 3759080 (VCV003759080.2).

ClinVar aggregate classification (germline): Uncertain significance (1 of 4 stars; one submission).

Conditions:
Chuvash polycythemia. Also called: POLYCYTHEMIA, VHL-DEPENDENT. Identifiers: Orphanet 238557, MedGen C1837915, MONDO:0009892, OMIM 263400.
Von Hippel-Lindau syndrome (VHLS). Also called: von Hippel–Lindau syndrome; VHL syndrome; Von Hippel-Lindau. Identifiers: Orphanet 892, MedGen C0019562, MONDO:0008667, OMIM 193300. Disease mechanism: loss of function.

Submission:

Labcorp Genetics (formerly Invitae), Labcorp
Classification: Uncertain significance for Von Hippel-Lindau syndrome; Chuvash polycythemia. Last evaluated: 2024-10-16. Review status: criteria provided, single submitter. Criteria: Invitae Variant Classification Sherloc (09022015). Collection method: clinical testing. Allele origin: germline.
Comment: This sequence change replaces tyrosine, which is neutral and polar, with histidine, which is basic and polar, at codon 156 of the VHL protein (p.Tyr156His). This variant is not present in population databases (gnomAD no frequency). This missense change has been observed in individuals with pheochromocytoma (PMID: 19763184, 30877234). An algorithm developed to predict the effect of missense changes on protein structure and function (PolyPhen-2) suggests that this variant is likely to be disruptive. This variant disrupts the p.Tyr156 amino acid residue in VHL. Other variant(s) that disrupt this residue have been determined to be pathogenic (PMID: 12000816, 16314641, 19029228, 19336503, 20151405; internal data). This suggests that this residue is clinically significant, and that variants that disrupt this residue are likely to be disease-causing. In summary, the available evidence is currently insufficient to determine the role of this variant in disease. Therefore, it has been classified as a Variant of Uncertain Significance.

Literature cited by the submitters: PubMed 19763184; PubMed 30877234; PubMed 12000816; PubMed 16314641; PubMed 19029228; PubMed 19336503; PubMed 20151405.